The following is an entry in ClinVar:

NM_152424.4(AMER1):c.2096G>A (p.Arg699His)

Gene: AMER1 (APC membrane recruitment protein 1; minus strand). Cytogenetic location: Xq11.2.
Variant type: single nucleotide variant.
Coding change: c.2096G>A on transcript NM_152424.4 (MANE Select); coding-DNA position 2096, G replaced by A.
Protein change: p.Arg699His; replaces arginine 699 with histidine.
Molecular consequence: missense variant.
Genome position (GRCh38, 1-based): chrX:64,191,191, C>T on the plus strand (G>A on the coding strand, the complement: AMER1 is on the minus strand). VCF-style: chrX-64191191-C-T. GRCh37 (hg19) VCF-style: chrX-63411071-C-T.
Other names: short protein forms R699H.
Identifiers: ClinVar variation 3676935 (VCV003676935.3).

ClinVar aggregate classification (germline): Benign (1 of 4 stars; one submission).
ClinVar aggregate classification (somatic clinical impact): Tier II - Potential (1 of 4 stars; one submission).

Conditions:
Neuroepithelial neoplasm. Identifiers: MedGen C0206715, MONDO:0021193, HP:0030063.

Submissions (2):

Labcorp Genetics (formerly Invitae), Labcorp
Classification: Benign. Last evaluated: 2024-02-22. Review status: criteria provided, single submitter. Criteria: Invitae Variant Classification Sherloc (09022015). Collection method: clinical testing. Allele origin: germline.

Institute for Genomic Medicine (IGM) Clinical Laboratory, Nationwide Children's Hospital
Classification: Tier II - Potential for Neuroepithelial neoplasm. Assertion type: diagnostic. Clinical significance: supports diagnosis. Last evaluated: 2023-06-01. Review status: criteria provided, single submitter. Criteria: AMP/ASCO/CAP Guidelines, 2017. Collection method: clinical testing. Allele origin: somatic. Affected: yes.
Comment: Variant has Tier II (potential) clinical significance as a diagnostic inclusion criterion in neuroepithelial neoplasm, based on the following evidence: 1) Documented in one or more cancer databases (e.g., St. Jude Pecan, COSMIC, CIViC, OncoKB). 2) Assists in diagnosis alone or along with other biomarkers based on small studies or few case reports (Evidence Level D; PMIDs: 34667055, 33577785, 28966033).

Literature cited by the submitters: PubMed 34667055 (cited by Institute for Genomic Medicine (IGM) Clinical Laboratory, Nationwide Children's Hospital); PubMed 33577785 (cited by Institute for Genomic Medicine (IGM) Clinical Laboratory, Nationwide Children's Hospital); PubMed 28966033 (cited by Institute for Genomic Medicine (IGM) Clinical Laboratory, Nationwide Children's Hospital).